The following is an entry in ClinVar:

ClinVar aggregate classification (germline): Uncertain significance (1 of 4 stars; one submission).

Conditions:
Baller-Gerold syndrome (BGS). Also called: CRANIOSYNOSTOSIS WITH RADIAL DEFECTS. Identifiers: Orphanet 1225, MedGen C0265308, MONDO:0009039, OMIM 218600.

Submission:

Labcorp Genetics (formerly Invitae), Labcorp
Classification: Uncertain significance for Baller-Gerold syndrome. Last evaluated: 2023-03-26. Review status: criteria provided, single submitter. Criteria: Invitae Variant Classification Sherloc (09022015). Collection method: clinical testing. Allele origin: germline.
Comment: This sequence change falls in intron 5 of the RECQL4 gene. It does not directly change the encoded amino acid sequence of the RECQL4 protein. In summary, the available evidence is currently insufficient to determine the role of this variant in disease. Therefore, it has been classified as a Variant of Uncertain Significance. Algorithms developed to predict the effect of sequence changes on RNA splicing suggest that this variant may disrupt the consensus splice site. This variant has not been reported in the literature in individuals affected with RECQL4-related conditions. This variant is not present in population databases (gnomAD no frequency).

NM_004260.4(RECQL4):c.1132-8C>G

Gene: RECQL4 (RecQ like helicase 4; minus strand). Cytogenetic location: 8q24.3.
Variant type: single nucleotide variant.
Coding change: c.1132-8C>G on transcript NM_004260.4 (MANE Select); 8 bases into the intron before coding-DNA position 1132, C replaced by G.
Molecular consequence: intron variant.
Genome position (GRCh38, 1-based): chr8:144,515,898, G>C on the plus strand (C>G on the coding strand, the complement: RECQL4 is on the minus strand). VCF-style: chr8-144515898-G-C. GRCh37 (hg19) VCF-style: chr8-145741282-G-C.
Other names: c.61-8C>G (NM_001413042.1, NM_001413037.1, NM_001413038.1 and 8 more transcripts); c.1003-8C>G (NM_001413025.1); c.781-8C>G (NM_001413029.1); c.-2-8C>G (NM_001413032.1, NM_001413027.1, NM_001413031.1 and 2 more transcripts); c.1036-8C>G (NM_001413017.1, NM_001413020.1); c.1132-8C>G (NM_001413039.1, NM_001413033.1, NM_001413018.1 and 2 more transcripts); c.-210+90C>G (NM_001413043.1).
Identifiers: ClinVar variation 2849513 (VCV002849513.3), dbSNP rs370660188, ClinGen allele CA1826368689.
Genomic context (GRCh38, chr8:144,515,898, plus strand): 5'-GCACCACCACCCCCAAAACACTCCCCTTTCTTCCGCCACTTCTGCTTCCATGCCTGGGGG[G>C]TGCCCACATAGGAGGGTCACTGGGCGGGAAATACGGGAGGGCTGAGGGGAGGGAAAGGGA-3'